The following is an entry in ClinVar:

NM_014236.4(GNPAT):c.925-17del

Gene: GNPAT (glyceronephosphate O-acyltransferase; plus strand). Cytogenetic location: 1q42.2.
Variant type: Deletion.
Coding change: c.925-17del on transcript NM_014236.4 (MANE Select); 17 bases into the intron before coding-DNA position 925, one base deleted (T; older notation c.925-17delT).
Molecular consequence: intron variant.
Genome position (GRCh38, 1-based): chr1:231,266,260, T deleted. VCF-style (leftmost placement, unchanged base first): chr1-231266259-CT-C. GRCh37 (hg19) VCF-style: chr1-231402005-CT-C.
Other names: c.742-17del (NM_001316350.2).
Identifiers: ClinVar variation 516531 (VCV000516531.19), dbSNP rs149282848, ClinGen allele CA1451925.

ClinVar aggregate classification (germline): Benign. Review status: criteria provided, multiple submitters, no conflicts (2 of 4 stars). 3 submissions from 3 submitters: Benign (3). Last evaluated 2026-01-31.

Conditions:
Rhizomelic chondrodysplasia punctata type 2 (RCDP2). Also called: glyceronephosphate O-acyltransferase (GNPAT) deficiency; DHAPAT DEFICIENCY; DIHYDROXYACETONEPHOSPHATE ACYLTRANSFERASE DEFICIENCY; Glyceronephosphate O-acyltransferase deficiency; PEROXISOMAL DIHYDROXYACETONEPHOSPHATE ACYLTRANSFERASE DEFICIENCY; Chondrodysplasia punctata, rhizomelic, due to dihydroxyacetonephosphate acyltransferase deficiency. Identifiers: Orphanet 177, Orphanet 309796, MedGen C1857242, MONDO:0100273, OMIM 222765. Disease mechanism: loss of function.

Allele frequency attached by ClinVar (database versions not stated): ExAC 0.00363; ESP Exome Variant Server 0.01246; gnomAD exomes 0.00295 and 0.00119; gnomAD 0.00997 and 0.01076; 1000 Genomes Project 0.01258; 1000 Genomes Project 30x 0.01390; TOPMed 0.01148.

Submissions (3):

Labcorp Genetics (formerly Invitae), Labcorp
Classification: Benign. Last evaluated: 2026-01-31. Review status: criteria provided, single submitter. Criteria: Invitae Variant Classification Sherloc (09022015). Collection method: clinical testing. Allele origin: germline.

ARUP Laboratories, Molecular Genetics and Genomics, ARUP Laboratories
Classification: Benign for Rhizomelic chondrodysplasia punctata type 2. Last evaluated: 2022-04-28. Review status: criteria provided, single submitter. Criteria: ARUP Molecular Germline Variant Investigation Process 2021. Collection method: clinical testing. Allele origin: germline.

GeneDx
Classification: Benign. Last evaluated: 2017-09-08. Review status: criteria provided, single submitter. Criteria: GeneDx Variant Classification (06012015). Collection method: clinical testing. Allele origin: germline. Affected: yes.
Comment: This variant is considered likely benign or benign based on one or more of the following criteria: it is a conservative change, it occurs at a poorly conserved position in the protein, it is predicted to be benign by multiple in silico algorithms, and/or has population frequency not consistent with disease.